The following is an entry in ClinVar:

NM_001243279.3(ACSF3):c.1385_1407delinsCGGAT (p.Lys462_Arg469delinsThrAsp)

Gene: ACSF3 (acyl-CoA synthetase family member 3; plus strand). Cytogenetic location: 16q24.3.
Variant type: Indel.
Coding change: c.1385_1407delinsCGGAT on transcript NM_001243279.3 (MANE Select); coding-DNA positions 1385 to 1407, AGGATGGCCAGTACTGGATCCGA replaced by CGGAT.
Protein change: p.Lys462_Arg469delinsThrAsp.
Molecular consequence: inframe indel. On other transcripts: non-coding transcript variant (4).
Genome position (GRCh38, 1-based): chr16:89,145,285-89,145,307, AGGATGGCCAGTACTGGATCCGA replaced by CGGAT. VCF-style: chr16-89145285-AGGATGGCCAGTACTGGATCCGA-CGGAT. GRCh37 (hg19) VCF-style: chr16-89211693-AGGATGGCCAGTACTGGATCCGA-CGGAT.
Other names: c.1385_1407delinsCGGAT, p.Lys462_Arg469delinsThrAsp (NM_001127214.4, NM_174917.5); c.590_612delinsCGGAT, p.Lys197_Arg204delinsThrAsp (NM_001284316.2); c.1385_1407delinsCGGAT (NM_174917.4).
Identifiers: ClinVar variation 2137862 (VCV002137862.4), dbSNP rs2543861142, ClinGen allele CA2580092251.

ClinVar aggregate classification (germline): Conflicting classifications of pathogenicity. Review status: criteria provided, conflicting classifications (1 of 4 stars). 3 submissions from 3 submitters: Likely pathogenic (1); Uncertain significance (2). Last evaluated 2024-04-24.

Conditions:
Combined malonic and methylmalonic acidemia. Identifiers: Orphanet 289504, MedGen C3280314, MONDO:0013661, OMIM 614265.

Submissions (3):

Women's Health and Genetics/Laboratory Corporation of America, LabCorp
Classification: Uncertain significance. Last evaluated: 2024-04-24. Review status: criteria provided, single submitter. Criteria: LabCorp Variant Classification Summary - May 2015. Collection method: clinical testing. Allele origin: germline.
Comment: Variant summary: ACSF3 c.1385_1407delinsCGGAT (p.Lys462_Arg469delinsThrAsp) results in an in-frame deletion-insertion that is predicted to delete six amino acids and replaces it with two amino acids. Consensus agreement among computation tools predict no significant impact on normal splicing. However, these predictions have yet to be confirmed by functional studies. The variant was absent in 251282 control chromosomes. The available data on variant occurrences in the general population are insufficient to allow any conclusion about variant significance. The variant has been reported in an individual affected with Combined Malonic And Methylmalonic Aciduria (Sloan_2012). These data do not allow any conclusion about variant significance. To our knowledge, no experimental evidence demonstrating an impact on protein function has been reported. The following publication have been ascertained in the context of this evaluation (PMID: 21841779). ClinVar contains an entry for this variant (Variation ID: 2137862). Based on the evidence outlined above, the variant was classified as uncertain significance.

Baylor Genetics
Classification: Likely pathogenic for Combined malonic and methylmalonic acidemia. Last evaluated: 2023-10-30. Review status: criteria provided, single submitter. Criteria: ACMG Guidelines, 2015. Collection method: clinical testing. Allele origin: unknown.

Labcorp Genetics (formerly Invitae), Labcorp
Classification: Uncertain significance for Combined malonic and methylmalonic acidemia. Last evaluated: 2021-09-12. Review status: criteria provided, single submitter. Criteria: Invitae Variant Classification Sherloc (09022015). Collection method: clinical testing. Allele origin: germline.
Comment: This variant, c.1385_1407delinsCGGAT, results in the deletion of 6 amino acid(s) of the ACSF3 protein (p.Gln465_Gly470del), but otherwise preserves the integrity of the reading frame. This variant is not present in population databases (ExAC no frequency). This variant has been observed in individual(s) with combined malonic and methylmalonic aciduria (CMAMMA) (PMID: 21841779). In at least one individual the data is consistent with the variant being in trans (on the opposite chromosome) from a pathogenic variant. This variant has been previously reported in the literature as 2 adjacent variants on the same chromosome (in cis). Experimental studies and prediction algorithms are not available or were not evaluated, and the functional significance of this variant is currently unknown. In summary, the available evidence is currently insufficient to determine the role of this variant in disease. Therefore, it has been classified as a Variant of Uncertain Significance.

Literature cited by the submitters: PubMed 21841779 (cited by Women's Health and Genetics/Laboratory Corporation of America, LabCorp and Labcorp Genetics (formerly Invitae), Labcorp).